The following is an entry in ClinVar:

NM_001844.5(COL2A1):c.2704G>C (p.Ala902Pro)

Gene: COL2A1 (collagen type II alpha 1 chain; minus strand). Cytogenetic location: 12q13.11.
Variant type: single nucleotide variant.
Coding change: c.2704G>C on transcript NM_001844.5 (MANE Select); coding-DNA position 2704, G replaced by C.
Protein change: p.Ala902Pro; replaces alanine 902 with proline.
Molecular consequence: missense variant.
Genome position (GRCh38, 1-based): chr12:47,979,540, C>G on the plus strand (G>C on the coding strand, the complement: COL2A1 is on the minus strand). VCF-style: chr12-47979540-C-G. GRCh37 (hg19) VCF-style: chr12-48373323-C-G.
Other names: c.2497G>C, p.Ala833Pro (NM_033150.3); short protein forms A833P, A902P.
Identifiers: ClinVar variation 2135877 (VCV002135877.4), dbSNP rs2540116827, ClinGen allele CA384543899.
Genomic context (GRCh38, chr12:47,979,540, plus strand): 5'-CTGTGCCTCTCATGCCAGGAGCATCACTTACATTGGAGCCTGGGGGTCCAACGCGGCCAG[C>G]AGCTCCAGGGAATCCAGTGGCTCCCTGTGTGGGGAGAGGAGAGCCCCTGAGAACCTCAAG-3'
Protein context (NP_001835.3, residues 892-912): PPGATGFPGA[Ala902Pro]GRVGPPGSNG

ClinVar aggregate classification (germline): Uncertain significance (1 of 4 stars; one submission).

Submission:

Labcorp Genetics (formerly Invitae), Labcorp
Classification: Uncertain significance. Last evaluated: 2024-12-16. Review status: criteria provided, single submitter. Criteria: Invitae Variant Classification Sherloc (09022015). Collection method: clinical testing. Allele origin: germline.
Comment: This sequence change replaces alanine, which is neutral and non-polar, with proline, which is neutral and non-polar, at codon 902 of the COL2A1 protein (p.Ala902Pro). This variant is not present in population databases (gnomAD no frequency). This variant has not been reported in the literature in individuals affected with COL2A1-related conditions. ClinVar contains an entry for this variant (Variation ID: 2135877). Invitae Evidence Modeling of protein sequence and biophysical properties (such as structural, functional, and spatial information, amino acid conservation, physicochemical variation, residue mobility, and thermodynamic stability) indicates that this missense variant is not expected to disrupt COL2A1 protein function with a negative predictive value of 95%. In summary, the available evidence is currently insufficient to determine the role of this variant in disease. Therefore, it has been classified as a Variant of Uncertain Significance.